The following is an entry in ClinVar:

ClinVar aggregate classification (germline): Uncertain significance (1 of 4 stars; one submission).

Conditions:
Hereditary nonpolyposis colorectal neoplasms. Identifiers: MedGen C0009405, MeSH D003123.

Submission:

Labcorp Genetics (formerly Invitae), Labcorp
Classification: Uncertain significance for Hereditary nonpolyposis colorectal neoplasms. Last evaluated: 2023-06-04. Review status: criteria provided, single submitter. Criteria: Invitae Variant Classification Sherloc (09022015). Collection method: clinical testing. Allele origin: germline.
Comment: This variant has not been reported in the literature in individuals affected with MSH6-related conditions. Advanced modeling of protein sequence and biophysical properties (such as structural, functional, and spatial information, amino acid conservation, physicochemical variation, residue mobility, and thermodynamic stability) has been performed at Invitae for this missense variant, however the output from this modeling did not meet the statistical confidence thresholds required to predict the impact of this variant on MSH6 protein function. In summary, the available evidence is currently insufficient to determine the role of this variant in disease. Therefore, it has been classified as a Variant of Uncertain Significance. This sequence change replaces tyrosine, which is neutral and polar, with histidine, which is basic and polar, at codon 845 of the MSH6 protein (p.Tyr845His). This variant is not present in population databases (gnomAD no frequency).

NM_000179.3(MSH6):c.2533T>C (p.Tyr845His)

Gene: MSH6 (mutS homolog 6; plus strand). Cytogenetic location: 2p16.3.
Variant type: single nucleotide variant.
Coding change: c.2533T>C on transcript NM_000179.3 (MANE Select); coding-DNA position 2533, T replaced by C.
Protein change: p.Tyr845His; replaces tyrosine 845 with histidine.
Molecular consequence: missense variant. On other transcripts: non-coding transcript variant (5), intron variant (3).
Genome position (GRCh38, 1-based): chr2:47,800,516, T>C. VCF-style: chr2-47800516-T-C. GRCh37 (hg19) VCF-style: chr2-48027655-T-C.
Other names: c.1627T>C, p.Tyr543His (NM_001406823.1, NM_001406829.1, NM_001281493.2 and 6 more transcripts); c.2236T>C, p.Tyr746His (NM_001406824.1, NM_001406825.1, NM_001406827.1 and 10 more transcripts); c.2365T>C, p.Tyr789His (NM_001406826.1); c.2308+225T>C (NM_001406803.1); c.1606+927T>C (NM_001406817.1); c.628-150T>C (NM_001407362.1); c.2143T>C, p.Tyr715His (NM_001281492.2); c.2629T>C, p.Tyr877His (NM_001406795.1, NM_001406802.1); and 4 more; short protein forms Y847H, Y746H, Y877H, Y789H, Y670H, Y715H, Y845H, Y543H.
Identifiers: ClinVar variation 2765227 (VCV002765227.3), dbSNP rs2104411281, ClinGen allele CA346754467.